The following is an entry in ClinVar:

NM_002458.3(MUC5B):c.3087C>T (p.Phe1029=)

Gene: MUC5B (mucin 5B, oligomeric mucus/gel-forming; plus strand). Cytogenetic location: 11p15.5.
Variant type: single nucleotide variant.
Coding change: c.3087C>T on transcript NM_002458.3 (MANE Select); coding-DNA position 3087, C replaced by T.
Protein change: p.Phe1029=; no amino-acid change (phenylalanine 1029 retained).
Molecular consequence: synonymous variant.
Genome position (GRCh38, 1-based): chr11:1,236,954, C>T. VCF-style: chr11-1236954-C-T. GRCh37 (hg19) VCF-style: chr11-1258184-C-T.
Identifiers: ClinVar variation 2641189 (VCV002641189.24), dbSNP rs55703838, ClinGen allele CA5804944.

ClinVar aggregate classification (germline): Benign (1 of 4 stars; one submission).

Allele frequency attached by ClinVar (database versions not stated): 1000 Genomes Project 0.00499; 1000 Genomes Project 30x 0.00531; TOPMed 0.00723; gnomAD 0.00910; ESP Exome Variant Server 0.00927; gnomAD exomes 0.01144; ExAC 0.01183.
gnomAD v4.1: 16,847 of 1,509,192 alleles (1.1%); highest among the groups gnomAD compares: South Asian, 1.6%; 115 homozygotes.

Submission:

CeGaT Center for Human Genetics Tuebingen
Classification: Benign. Last evaluated: 2024-06-01. Review status: criteria provided, single submitter. Criteria: CeGaT Center For Human Genetics Tuebingen Variant Classification Criteria Version 2. Collection method: clinical testing. Allele origin: germline. Affected: yes. Observed: 2 variant alleles.
Comment: MUC5B: BP4, BP7, BS1, BS2